The following is an entry in ClinVar:

NM_213618.2(DENND2B):c.2383G>A (p.Val795Met)

Gene: DENND2B (DENN domain containing 2B; minus strand). Cytogenetic location: 11p15.4.
Variant type: single nucleotide variant.
Coding change: c.2383G>A on transcript NM_213618.2 (MANE Select); coding-DNA position 2383, G replaced by A.
Protein change: p.Val795Met; replaces valine 795 with methionine.
Molecular consequence: missense variant. On other transcripts: non-coding transcript variant (9).
Genome position (GRCh38, 1-based): chr11:8,707,824, C>T on the plus strand (G>A on the coding strand, the complement: DENND2B is on the minus strand). VCF-style: chr11-8707824-C-T. GRCh37 (hg19) VCF-style: chr11-8729371-C-T.
Other names: c.2383G>A, p.Val795Met (NM_001376495.1, NM_001376496.1, NM_001376497.1 and 1 more transcripts); c.1876G>A, p.Val626Met (NM_001376498.1); c.1843G>A, p.Val615Met (NM_001376499.1); c.1702G>A, p.Val568Met (NM_001376500.1); c.1123G>A, p.Val375Met (NM_001376501.1, NM_001376502.1, NM_139157.3); c.943G>A, p.Val315Met (NM_001376503.1); c.907G>A, p.Val303Met (NM_001376504.1); c.799G>A, p.Val267Met (NM_001376505.1, NM_001376506.1); short protein forms V568M, V615M, V303M, V375M, V267M, V315M, V626M, V795M.
Identifiers: ClinVar variation 5008677 (VCV005008677.1).

ClinVar aggregate classification (germline): Uncertain significance (1 of 4 stars; one submission).

Submission:

GeneDx
Classification: Uncertain significance. Last evaluated: 2026-03-05. Review status: criteria provided, single submitter. Criteria: GeneDx Variant Classification Process June 2021. Collection method: clinical testing. Allele origin: germline.
Comment: Not observed at significant frequency in large population cohorts (gnomAD); In silico analysis supports that this missense variant has a deleterious effect on protein structure/function; Has not been previously published as pathogenic or benign to our knowledge